The following is an entry in ClinVar:

NM_015999.6(ADIPOR1):c.98T>A (p.Leu33Gln)

Gene: ADIPOR1 (adiponectin receptor 1; minus strand). Cytogenetic location: 1q32.1.
Variant type: single nucleotide variant.
Coding change: c.98T>A on transcript NM_015999.6 (MANE Select); coding-DNA position 98, T replaced by A.
Protein change: p.Leu33Gln; replaces leucine 33 with glutamine.
Molecular consequence: missense variant.
Genome position (GRCh38, 1-based): chr1:202,950,973, A>T on the plus strand (T>A on the coding strand, the complement: ADIPOR1 is on the minus strand). VCF-style: chr1-202950973-A-T. GRCh37 (hg19) VCF-style: chr1-202920101-A-T.
Other names: c.98T>A, p.Leu33Gln (NM_001290553.2, NM_001290557.1, NM_001290629.1); short protein forms L33Q.
Identifiers: ClinVar variation 1009761 (VCV001009761.8), dbSNP rs1654555900, ClinGen allele CA344284684.

ClinVar aggregate classification (germline): Uncertain significance (1 of 4 stars; one submission).

Allele frequency attached by ClinVar (database versions not stated): gnomAD exomes below 0.00001.
gnomAD v4.1: 1 of 1,614,184 alleles (0.000062%); no homozygotes.

Submission:

Labcorp Genetics (formerly Invitae), Labcorp
Classification: Uncertain significance. Last evaluated: 2023-08-17. Review status: criteria provided, single submitter. Criteria: Invitae Variant Classification Sherloc (09022015). Collection method: clinical testing. Allele origin: germline.
Comment: An algorithm developed to predict the effect of missense changes on protein structure and function (PolyPhen-2) suggests that this variant is likely to be disruptive. ClinVar contains an entry for this variant (Variation ID: 1009761). This variant has not been reported in the literature in individuals affected with ADIPOR1-related conditions. This variant is not present in population databases (gnomAD no frequency). This sequence change replaces leucine, which is neutral and non-polar, with glutamine, which is neutral and polar, at codon 33 of the ADIPOR1 protein (p.Leu33Gln). In summary, the available evidence is currently insufficient to determine the role of this variant in disease. Therefore, it has been classified as a Variant of Uncertain Significance.